The following is an entry in ClinVar:

ClinVar aggregate classification (germline): Likely pathogenic (1 of 4 stars; one submission).

Conditions:
Peroxisome biogenesis disorder. Identifiers: Orphanet 79189, MedGen C1832200, MONDO:0019234. Disease mechanism: loss of function.

Submission:

Myriad Genetics, Inc.
Classification: Likely pathogenic for Peroxisome biogenesis disorder. Last evaluated: 2021-12-17. Review status: criteria provided, single submitter. Criteria: Myriad Autosomal Dominant, Autosomal Recessive and X-Linked Classification Criteria (2023). Collection method: clinical testing. Allele origin: unknown.
Comment: NM_000466.2(PEX1):c.510_511ins14(T171Vfs*44) is expected to be pathogenic in the context of peroxisome biogenesis disorder type 1. This variant is predicted to lead to an abnormal or absent protein product due to the creation of a premature termination codon in PEX1, a gene where loss-of-function variants are known to be pathogenic. Please note: this variant was assessed in the context of healthy population screening.

NM_000466.3(PEX1):c.510_511insGTTATAAAATTTAT (p.Thr171fs)

Gene: PEX1 (peroxisomal biogenesis factor 1; minus strand). Cytogenetic location: 7q21.2.
Variant type: Insertion.
Coding change: c.510_511insGTTATAAAATTTAT on transcript NM_000466.3 (MANE Select); coding-DNA positions 510 to 511, GTTATAAAATTTAT inserted.
Protein change: p.Thr171fs; shifts the reading frame from threonine 171.
Molecular consequence: frameshift variant. On other transcripts: 5 prime UTR variant (1).
Genome position: GRCh38 VCF-style: chr7-92518004-T-TATAAATTTTATAAC. GRCh37 (hg19) VCF-style: chr7-92147318-T-TATAAATTTTATAAC.
Other names: c.510_511insGTTATAAAATTTAT, p.Thr171fs (NM_001282677.2); c.-115_-114insGTTATAAAATTTAT (NM_001282678.2); short protein forms T171fs.
Identifiers: ClinVar variation 1726514 (VCV001726514.3), dbSNP rs2484704280, ClinGen allele CA2580077849.